The following is an entry in ClinVar:

ClinVar aggregate classification (germline): Benign/Likely benign. Review status: criteria provided, multiple submitters, no conflicts (2 of 4 stars). 4 submissions from 4 submitters: Benign (1); Likely benign (3). Last evaluated 2026-07-01.

Allele frequency attached by ClinVar (database versions not stated): gnomAD exomes 0.00280 and 0.00184; 1000 Genomes Project 0.00140; 1000 Genomes Project 30x 0.00141; TOPMed 0.00181; ExAC 0.00207; gnomAD 0.00208 and 0.00212; ESP Exome Variant Server 0.00223.
gnomAD v4.1: 4,393 of 1,614,104 alleles (0.27%); highest among the groups gnomAD compares: Non-Finnish European, 0.34%; 4 homozygotes.

Submissions (4):

CeGaT Center for Human Genetics Tuebingen
Classification: Likely benign. Last evaluated: 2026-07-01. Review status: criteria provided, single submitter. Criteria: CeGaT Center For Human Genetics Tuebingen Variant Classification Criteria Version 2. Collection method: clinical testing. Allele origin: germline. Affected: yes. Observed: 3 variant alleles.
Comment: MYO9A: BP4, BP7

Blueprint Genetics
Classification: Likely benign. Last evaluated: 2024-11-21. Review status: criteria provided, single submitter. Criteria: ACMG Guidelines, 2015. Collection method: clinical testing. Allele origin: germline.

Labcorp Genetics (formerly Invitae), Labcorp
Classification: Benign. Last evaluated: 2019-12-31. Review status: criteria provided, single submitter. Criteria: Invitae Variant Classification Sherloc (09022015). Collection method: clinical testing. Allele origin: germline.

Breakthrough Genomics
Classification: Likely benign. Review status: criteria provided, single submitter. Criteria: ACMG Guidelines, 2015. Collection method: not provided. Allele origin: germline. Inheritance: Autosomal recessive inheritance. Affected: yes.

NM_006901.4(MYO9A):c.4836C>T (p.Cys1612=)

Gene: MYO9A (myosin IXA; minus strand). Cytogenetic location: 15q23.
Variant type: single nucleotide variant.
Coding change: c.4836C>T on transcript NM_006901.4 (MANE Select); coding-DNA position 4836, C replaced by T.
Protein change: p.Cys1612=; no amino-acid change (cysteine 1612 retained).
Molecular consequence: synonymous variant.
Genome position (GRCh38, 1-based): chr15:71,897,667, G>A on the plus strand (C>T on the coding strand, the complement: MYO9A is on the minus strand). VCF-style: chr15-71897667-G-A. GRCh37 (hg19) VCF-style: chr15-72190008-G-A.
Identifiers: ClinVar variation 790323 (VCV000790323.40), dbSNP rs117500002, ClinGen allele CA7641315.